The following is an entry in ClinVar:

NM_000075.4(CDK4):c.690T>A (p.Ile230=)

Genes: TSPAN31 (tetraspanin 31; plus strand), CDK4 (cyclin dependent kinase 4; minus strand). Cytogenetic location: 12q14.1.
Variant type: single nucleotide variant.
Coding change: c.690T>A on transcript NM_000075.4 (MANE Select); coding-DNA position 690, T replaced by A.
Protein change: p.Ile230=; no amino-acid change (isoleucine 230 retained).
Molecular consequence: synonymous variant. On other transcripts: 3 prime UTR variant (3).
Genome position (GRCh38, 1-based): chr12:57,749,311, A>T on the plus strand (T>A on the coding strand, the complement: CDK4 is on the minus strand). VCF-style: chr12-57749311-A-T. GRCh37 (hg19) VCF-style: chr12-58143094-A-T.
Other names: c.*2021A>T (NM_001330168.2, NM_001330169.2, NM_005981.5).
Identifiers: ClinVar variation 3378820 (VCV003378820.1).
Genomic context (GRCh38, chr12:57,749,311, plus strand): 5'-GGGAAAGGCTCCACGGGGCAGGGATACATCTCGAGGCCAGTCATCCTCTGGAGGCAGCCC[A>T]ATCAGGCTGTGGGGGACAGGAGAACTCTGGTCAGGAGGGTCCTCCAGTTCCCATCCCCAT-3'
Protein context (NP_000066.1, residues 220-240): ADQLGKIFDL[Ile230=]GLPPEDDWPR

ClinVar aggregate classification (germline): Benign (1 of 4 stars; one submission).

Conditions:
Melanoma, cutaneous malignant, susceptibility to, 3. Also called: Cutaneous malignant melanoma 3. Identifiers: Orphanet 618, MedGen C1836892, MONDO:0012183, OMIM 609048.

Submission:

Myriad Genetics, Inc.
Classification: Benign for Melanoma, cutaneous malignant, susceptibility to, 3. Last evaluated: 2024-09-26. Review status: criteria provided, single submitter. Criteria: Myriad Autosomal Dominant, Autosomal Recessive and X-Linked Classification Criteria (2023). Collection method: clinical testing. Allele origin: unknown.
Comment: This variant is considered benign. This variant is a silent/synonymous amino acid change and it is not expected to impact splicing.